The following is an entry in ClinVar:

ClinVar aggregate classification (germline): Conflicting classifications of pathogenicity. Review status: criteria provided, conflicting classifications (1 of 4 stars). 11 submissions from 11 submitters: Uncertain significance (9); Benign (1); Likely benign (1). Last evaluated 2025-12-24.

Conditions:
Arrhythmogenic right ventricular dysplasia 5. Also called: ARRHYTHMOGENIC RIGHT VENTRICULAR DYSPLASIA, FAMILIAL, 5; Arrhythmogenic Right Ventricular Dysplasia/Cardiomyopathy 5. Identifiers: MedGen C1858379, MONDO:0011459, OMIM 604400.
Auditory neuropathy, autosomal dominant 3 (AUNA3). Identifiers: MedGen C5676964, MONDO:0859235, OMIM 619832.
Emery-Dreifuss muscular dystrophy 7, autosomal dominant (EDMD7). Also called: Emery-Dreifuss muscular dystrophy 7, AD. Identifiers: Orphanet 261, MedGen C3553060, MONDO:0013677, OMIM 614302.
Cardiovascular phenotype. Identifiers: MedGen CN230736.
Cardiomyopathy (CMYO). Also called: Cardiomyopathies. Identifiers: Orphanet 167848, MedGen C0878544, MONDO:0004994, HP:0001638. Inheritance: Various modes of inheritance.

Allele frequency attached by ClinVar (database versions not stated): ESP Exome Variant Server 0.00008; TOPMed 0.00008; gnomAD 0.00012 and 0.00013.
gnomAD v4.1: 303 of 1,612,324 alleles (0.019%); highest among the groups gnomAD compares: Admixed American, 0.027%; no homozygotes.

Submissions (11):

Labcorp Genetics (formerly Invitae), Labcorp
Classification: Uncertain significance for Arrhythmogenic right ventricular dysplasia 5. Last evaluated: 2025-12-24. Review status: criteria provided, single submitter. Criteria: Invitae Variant Classification Sherloc (09022015). Collection method: clinical testing. Allele origin: germline.
Comment: This sequence change replaces arginine, which is basic and polar, with cysteine, which is neutral and slightly polar, at codon 240 of the TMEM43 protein (p.Arg240Cys). This variant is present in population databases (rs367910936, gnomAD 0.03%). This missense change has been observed in individual(s) with clinical features of arrhythmogenic right ventricular dysplasia/cardiomyopathy (PMID: 21636032, 25820315, 37937776). ClinVar contains an entry for this variant (Variation ID: 202119). Invitae Evidence Modeling of protein sequence and biophysical properties (such as structural, functional, and spatial information, amino acid conservation, physicochemical variation, residue mobility, and thermodynamic stability) indicates that this missense variant is expected to disrupt TMEM43 protein function with a positive predictive value of 80%. In summary, the available evidence is currently insufficient to determine the role of this variant in disease. Therefore, it has been classified as a Variant of Uncertain Significance.

Mayo Clinic Laboratories, Mayo Clinic
Classification: Uncertain significance. Last evaluated: 2025-09-03. Review status: criteria provided, single submitter. Criteria: ACMG Guidelines, 2015. Collection method: clinical testing. Allele origin: germline. Observed: 4 variant alleles.
Comment: BS2

GeneDx
Classification: Uncertain significance. Last evaluated: 2025-04-24. Review status: criteria provided, single submitter. Criteria: GeneDx Variant Classification Process June 2021. Collection method: clinical testing. Allele origin: germline. Affected: yes.
Comment: Reported in one individual with ARVD/C who also harbors a deletion of exons 1-4 in the PKP2 gene (PMID: 21636032, 23178689, 25820315); In silico analysis supports that this missense variant has a deleterious effect on protein structure/function; This variant is associated with the following publications: (PMID: 25820315, 23299917, 23178689, 28831623, 21636032, 37937776)

Color Diagnostics, LLC DBA Color Health
Classification: Uncertain significance for Cardiomyopathy. Last evaluated: 2025-04-14. Review status: criteria provided, single submitter. Criteria: ACMG Guidelines, 2015. Collection method: clinical testing. Allele origin: germline.
Comment: This missense variant replaces arginine with cysteine at codon 240 of the TMEM43 protein. Computational prediction tool is inconclusive regarding the impact of this variant on protein structure and function. To our knowledge, functional studies have not been reported for this variant. This variant has been reported in an individual with arrhythmogenic right ventricular cardiomyopathy, who also carried a pathogenic deletion of exons 1-14 of the PKP2 gene (PMID: 21636032, 23178689, 25820315), which suggests that this missense variant was probably not the primary cause of disease in this individual. This variant has been identified in 48/281274 chromosomes in the general population by the Genome Aggregation Database (gnomAD). The elevated variant allele frequency in the general population indicates that this variant may not be disease-causing. However, additional studies are necessary to determine the role of this variant in disease conclusively. Therefore, this variant is classified as a Variant of Uncertain Significance.

Blueprint Genetics
Classification: Likely benign. Last evaluated: 2024-08-13. Review status: criteria provided, single submitter. Criteria: ACMG Guidelines, 2015. Collection method: clinical testing. Allele origin: germline.

All of Us Research Program, National Institutes of Health
Classification: Uncertain significance for Arrhythmogenic right ventricular dysplasia 5. Last evaluated: 2024-02-05. Review status: criteria provided, single submitter. Criteria: ACMG Guidelines, 2015. Collection method: clinical testing. Allele origin: germline. Inheritance: Autosomal dominant inheritance. Observed: 32 variant alleles, 32 heterozygotes.
Comment: This missense variant replaces arginine with cysteine at codon 240 of the TMEM43 protein. Computational prediction is inconclusive regarding the impact of this variant on protein structure and function (internally defined REVEL score threshold 0.5 < inconclusive < 0.7, PMID: 27666373). To our knowledge, functional studies have not been reported for this variant. This variant has been reported in an individual with arrhythmogenic right ventricular cardiomyopathy, who also carried a pathogenic deletion of exons 1-14 of the PKP2 gene (PMID: 21636032, 23178689, 25820315), which suggests that this missense variant was probably not the primary cause of disease in this individual. This variant has been identified in 48/281274 chromosomes in the general population by the Genome Aggregation Database (gnomAD). The available evidence is insufficient to determine the role of this variant in disease conclusively. Therefore, this variant is classified as a Variant of Uncertain Significance.

This study involves interpretation of variants in research participants for the purpose of population health screening. Participant phenotype was not available at the time of variant classification. Additional details can be found in publication PMID: 35346344, PMCID: PMC8962531

Clinical Genetics Laboratory, Skane University Hospital Lund
Classification: Uncertain significance. Last evaluated: 2023-07-28. Review status: criteria provided, single submitter. Criteria: ACMG Guidelines, 2015. Collection method: clinical testing. Allele origin: germline. Affected: yes.

Ambry Genetics
Classification: Benign for Cardiovascular phenotype. Last evaluated: 2022-01-12. Review status: criteria provided, single submitter. Criteria: Ambry Variant Classification Scheme 2023. Collection method: clinical testing. Allele origin: germline.

Fulgent Genetics
Classification: Uncertain significance for Arrhythmogenic right ventricular dysplasia 5; Emery-Dreifuss muscular dystrophy 7, autosomal dominant; Auditory neuropathy, autosomal dominant 3. Last evaluated: 2021-08-09. Review status: criteria provided, single submitter. Criteria: ACMG Guidelines, 2015. Collection method: clinical testing. Allele origin: unknown.

CHEO Genetics Diagnostic Laboratory, Children's Hospital of Eastern Ontario
Classification: Uncertain significance for Cardiomyopathy. Last evaluated: 2017-05-16. Review status: criteria provided, single submitter. Criteria: ACMG Guidelines, 2015. Collection method: clinical testing. Allele origin: germline. Study: Canadian Open Genetics Repository.

Laboratory for Molecular Medicine, Mass General Brigham Personalized Medicine
Classification: Uncertain significance. Last evaluated: 2016-03-31. Review status: criteria provided, single submitter. Criteria: LMM Criteria. Collection method: clinical testing. Allele origin: germline.
Comment: Variant identified in a genome or exome case(s) and assessed due to predicted null impact of the variant or pathogenic assertions in the literature or databases. Disclaimer: This variant has not undergone full assessment. The following are preliminary notes: 1 paper in HGMD; ExAC: 2/6110 Finnish chromosomes; ClinVar: 1 VUS

Literature cited by the submitters: PubMed 21636032 (cited by 4 submitters); PubMed 25820315 (cited by 4 submitters); PubMed 37937776 (cited by Labcorp Genetics (formerly Invitae), Labcorp); PubMed 23178689 (cited by 3 submitters); PubMed 30847666 (cited by Ambry Genetics).

NM_024334.3(TMEM43):c.718C>T (p.Arg240Cys)

Gene: TMEM43 (transmembrane protein 43; plus strand). Cytogenetic location: 3p25.1.
Variant type: single nucleotide variant.
Coding change: c.718C>T on transcript NM_024334.3 (MANE Select); coding-DNA position 718, C replaced by T.
Protein change: p.Arg240Cys; replaces arginine 240 with cysteine.
Molecular consequence: missense variant.
Genome position (GRCh38, 1-based): chr3:14,135,170, C>T. VCF-style: chr3-14135170-C-T. GRCh37 (hg19) VCF-style: chr3-14176670-C-T.
Other names: p.R240C:CGT>TGT; short protein forms R240C.
Identifiers: ClinVar variation 202119 (VCV000202119.48), dbSNP rs367910936, ClinGen allele CA024748.